The following is an entry in ClinVar:

ClinVar aggregate classification (germline): Uncertain significance (1 of 4 stars; one submission).

Allele frequency attached by ClinVar (database versions not stated): gnomAD exomes 0.00001; TOPMed 0.00001.
gnomAD v4.1: 4 of 1,613,726 alleles (0.00025%); highest among the groups gnomAD compares: Admixed American, 0.0017%; no homozygotes.

Submission:

Labcorp Genetics (formerly Invitae), Labcorp
Classification: Uncertain significance. Last evaluated: 2022-04-01. Review status: criteria provided, single submitter. Criteria: Invitae Variant Classification Sherloc (09022015). Collection method: clinical testing. Allele origin: germline.
Comment: This sequence change replaces histidine, which is basic and polar, with arginine, which is basic and polar, at codon 1199 of the ASPM protein (p.His1199Arg). This variant is present in population databases (no rsID available, gnomAD 0.006%). This variant has not been reported in the literature in individuals affected with ASPM-related conditions. Algorithms developed to predict the effect of missense changes on protein structure and function (SIFT, PolyPhen-2, Align-GVGD) all suggest that this variant is likely to be tolerated. In summary, the available evidence is currently insufficient to determine the role of this variant in disease. Therefore, it has been classified as a Variant of Uncertain Significance.

NM_018136.5(ASPM):c.3596A>G (p.His1199Arg)

Gene: ASPM (assembly factor for spindle microtubules; minus strand). Cytogenetic location: 1q31.3.
Variant type: single nucleotide variant.
Coding change: c.3596A>G on transcript NM_018136.5 (MANE Select); coding-DNA position 3596, A replaced by G.
Protein change: p.His1199Arg; replaces histidine 1199 with arginine.
Molecular consequence: missense variant.
Genome position (GRCh38, 1-based): chr1:197,122,390, T>C on the plus strand (A>G on the coding strand, the complement: ASPM is on the minus strand). VCF-style: chr1-197122390-T-C. GRCh37 (hg19) VCF-style: chr1-197091520-T-C.
Other names: c.3596A>G, p.His1199Arg (NM_001206846.2); short protein forms H1199R.
Identifiers: ClinVar variation 2099668 (VCV002099668.1), dbSNP rs1303084241, ClinGen allele CA344040053.
Genomic context (GRCh38, chr1:197,122,390, plus strand): 5'-GCCGTAGCTTCAAATCAGACATGGCAAAAAATTGGAAAAGTAACCAAAAGGGACTAACCA[T>C]GATCAAATGCTTTAAGAGACATATCCAGAGAACTGTCATCAGATTCAGATGATGAATTTA-3'
Protein context (NP_060606.3, residues 1189-1209): SLDMSLKAFD[His1199Arg]ENTSELYKEL